The following is an entry in ClinVar:

NM_017780.4(CHD7):c.8077-12C>G

Gene: CHD7 (chromodomain helicase DNA binding protein 7; plus strand). Cytogenetic location: 8q12.2.
Variant type: single nucleotide variant.
Coding change: c.8077-12C>G on transcript NM_017780.4 (MANE Select); 12 bases into the intron before coding-DNA position 8077, C replaced by G.
Molecular consequence: intron variant.
Genome position (GRCh38, 1-based): chr8:60,865,004, C>G. VCF-style: chr8-60865004-C-G. GRCh37 (hg19) VCF-style: chr8-61777563-C-G.
Other names: c.1930-12C>G (NM_001316690.1).
Identifiers: ClinVar variation 1214152 (VCV001214152.3), dbSNP rs558533630, ClinGen allele CA582403631.

ClinVar aggregate classification (germline): Uncertain significance (1 of 4 stars; one submission).

Allele frequency attached by ClinVar (database versions not stated): gnomAD exomes 0.00001.
gnomAD v4.1: 1 of 1,577,516 alleles (0.000063%); highest among the groups gnomAD compares: Admixed American, 0.0018%; no homozygotes.

Submission:

GeneDx
Classification: Uncertain significance. Last evaluated: 2020-10-28. Review status: criteria provided, single submitter. Criteria: GeneDx Variant Classification Process June 2021. Collection method: clinical testing. Allele origin: germline. Affected: yes.
Comment: Not observed at a significant frequency in large population cohorts (Lek et al., 2016); Has not been previously published as pathogenic or benign to our knowledge; In-silico analysis, which includes splice predictors and evolutionary conservation, is inconclusive as to whether the variant alters gene splicing. In the absence of RNA/functional studies, the actual effect of this sequence change is unknown.